The following is an entry in ClinVar:

Single allele

Gene: DMD (dystrophin; minus strand). Cytogenetic location: Xp21.1.
Variant type: Deletion.
Identifiers: ClinVar variation 1807241 (VCV001807241.2).

ClinVar aggregate classification (germline): Pathogenic (1 of 4 stars; one submission).

Submission:

Athena Diagnostics
Classification: Pathogenic. Last evaluated: 2022-04-18. Review status: criteria provided, single submitter. Criteria: Athena Diagnostics Criteria. Collection method: clinical testing. Allele origin: unknown.
Comment: This variant is expected to result in the loss of a functional protein. Similar variants have been identified in multiple unrelated individuals with Duchenne muscular dystrophy (DMD). Similar variants have not been reported in large, multi-ethnic general populations (Genome Aggregation Database (gnomAD), Cambridge, MA (URL)).

Literature cited by the submitters: PubMed 17259292; PubMed 27593222; PubMed 19367636; PubMed 9028449; PubMed 24236769; PubMed 20036901; PubMed 15845029; PubMed 23588064; PubMed 1684565; PubMed 1864612; PubMed 2903663; PubMed 28116794; PubMed 28610567; PubMed 18752307; PubMed 19937601; PubMed 7897627; PubMed 2613240; PubMed 10619712; PubMed 1483053; PubMed 17561468; PubMed 15655674; PubMed 14571009; PubMed 9619643; PubMed 11388892; PubMed 19084397; PubMed 16049303; PubMed 23438214; PubMed 15684864; PubMed 9048922; PubMed 17253928; PubMed 28332368; PubMed 18653336; PubMed 28181689; PubMed 19927354; PubMed 10465346; PubMed 17854090; PubMed 8530947; PubMed 9800909.